The following is an entry in ClinVar:

NM_014239.4(EIF2B2):c.488_507del (p.Glu163fs)

Gene: EIF2B2 (eukaryotic translation initiation factor 2B subunit beta; plus strand). Cytogenetic location: 14q24.3.
Variant type: Deletion.
Coding change: c.488_507del on transcript NM_014239.4 (MANE Select); coding-DNA positions 488 to 507, 20 bases deleted (AGGTGATCATGACCATTGGC).
Protein change: p.Glu163fs; shifts the reading frame from glutamic acid 163.
Molecular consequence: frameshift variant.
Genome position (GRCh38, 1-based): chr14:75,004,791-75,004,810, AGGTGATCATGACCATTGGC deleted. VCF-style (leftmost placement, unchanged base first): chr14-75004790-GAGGTGATCATGACCATTGGC-G. GRCh37 (hg19) VCF-style: chr14-75471493-GAGGTGATCATGACCATTGGC-G.
Other names: short protein forms E163fs.
Identifiers: ClinVar variation 2826857 (VCV002826857.3), dbSNP rs2503006016, ClinGen allele CA2739278859.

ClinVar aggregate classification (germline): Pathogenic (1 of 4 stars; one submission).

Submission:

Labcorp Genetics (formerly Invitae), Labcorp
Classification: Pathogenic. Last evaluated: 2023-01-07. Review status: criteria provided, single submitter. Criteria: Invitae Variant Classification Sherloc (09022015). Collection method: clinical testing. Allele origin: germline.
Comment: This variant is not present in population databases (gnomAD no frequency). This sequence change creates a premature translational stop signal (p.Glu163Valfs*33) in the EIF2B2 gene. It is expected to result in an absent or disrupted protein product. Loss-of-function variants in EIF2B2 are known to be pathogenic (PMID: 11704758, 12707859). This variant has not been reported in the literature in individuals affected with EIF2B2-related conditions. For these reasons, this variant has been classified as Pathogenic.

Literature cited by the submitters: PubMed 11704758; PubMed 12707859.